The following is an entry in ClinVar:

NM_000552.5(VWF):c.5814G>C (p.Glu1938Asp)

Gene: VWF (von Willebrand factor; minus strand). Cytogenetic location: 12p13.31.
Variant type: single nucleotide variant.
Coding change: c.5814G>C on transcript NM_000552.5 (MANE Select); coding-DNA position 5814, G replaced by C.
Protein change: p.Glu1938Asp; replaces glutamic acid 1938 with aspartic acid.
Molecular consequence: missense variant.
Genome position (GRCh38, 1-based): chr12:6,011,645, C>G on the plus strand (G>C on the coding strand, the complement: VWF is on the minus strand). VCF-style: chr12-6011645-C-G. GRCh37 (hg19) VCF-style: chr12-6120811-C-G.
Other names: p.Glu1938Asp; short protein forms E1938D.
Identifiers: ClinVar variation 2683178 (VCV002683178.1), dbSNP rs2497494559, ClinGen allele CA383493043.

ClinVar aggregate classification (germline): Uncertain significance (1 of 4 stars; one submission).

Submission:

Mayo Clinic Laboratories, Mayo Clinic
Classification: Uncertain significance. Last evaluated: 2023-02-16. Review status: criteria provided, single submitter. Criteria: ACMG Guidelines, 2015. Collection method: clinical testing. Allele origin: germline. Observed: 3 variant alleles.
Comment: PM1, PM2